The following is an entry in ClinVar:

NM_001136472.2(LITAF):c.98A>T (p.Tyr33Phe)

Gene: LITAF (lipopolysaccharide induced TNF factor; minus strand). Cytogenetic location: 16p13.13.
Variant type: single nucleotide variant.
Coding change: c.98A>T on transcript NM_001136472.2 (MANE Select); coding-DNA position 98, A replaced by T.
Protein change: p.Tyr33Phe; replaces tyrosine 33 with phenylalanine.
Molecular consequence: missense variant. On other transcripts: non-coding transcript variant (1).
Genome position (GRCh38, 1-based): chr16:11,556,633, T>A on the plus strand (A>T on the coding strand, the complement: LITAF is on the minus strand). VCF-style: chr16-11556633-T-A. GRCh37 (hg19) VCF-style: chr16-11650489-T-A.
Other names: c.98A>T, p.Tyr33Phe (NM_001136473.1, NM_004862.4); short protein forms Y33F.
Identifiers: ClinVar variation 1309498 (VCV001309498.2), dbSNP rs2141717473, ClinGen allele CA394768419.

ClinVar aggregate classification (germline): Uncertain significance (1 of 4 stars; one submission).

Submission:

GeneDx
Classification: Uncertain significance. Last evaluated: 2019-08-29. Review status: criteria provided, single submitter. Criteria: GeneDx Variant Classification Process June 2021. Collection method: clinical testing. Allele origin: germline. Affected: yes.
Comment: Not observed in large population cohorts (Lek et al., 2016); In silico analysis, which includes protein predictors and evolutionary conservation, supports that this variant does not alter protein structure/function; Has not been previously published as pathogenic or benign to our knowledge